The following is an entry in ClinVar:

NM_014991.6(WDFY3):c.7166T>C (p.Met2389Thr)

Gene: WDFY3 (WD repeat and FYVE domain containing 3; minus strand). Cytogenetic location: 4q21.23.
Variant type: single nucleotide variant.
Coding change: c.7166T>C on transcript NM_014991.6 (MANE Select); coding-DNA position 7166, T replaced by C.
Protein change: p.Met2389Thr; replaces methionine 2389 with threonine.
Molecular consequence: missense variant.
Genome position (GRCh38, 1-based): chr4:84,733,437, A>G on the plus strand (T>C on the coding strand, the complement: WDFY3 is on the minus strand). VCF-style: chr4-84733437-A-G. GRCh37 (hg19) VCF-style: chr4-85654590-A-G.
Other names: short protein forms M2389T.
Identifiers: ClinVar variation 3058783 (VCV003058783.8), dbSNP rs186418626, ClinGen allele CA2992692.

ClinVar aggregate classification (germline): Likely benign. Review status: criteria provided, single submitter (1 of 4 stars). 2 submissions from 2 submitters: Likely benign (1). 1 of the submissions does not count toward it. Last evaluated 2025-11-01.

Conditions:
WDFY3-related disorder.

Allele frequency attached by ClinVar (database versions not stated): gnomAD exomes 0.00019; TOPMed 0.00020; gnomAD 0.00023; ExAC 0.00048; 1000 Genomes Project 0.00160; 1000 Genomes Project 30x 0.00172.
gnomAD v4.1: 331 of 1,614,066 alleles (0.021%); highest among the groups gnomAD compares: East Asian, 0.49%; 2 homozygotes.

Submissions (2):

CeGaT Center for Human Genetics Tuebingen
Classification: Likely benign. Last evaluated: 2025-11-01. Review status: criteria provided, single submitter. Criteria: CeGaT Center For Human Genetics Tuebingen Variant Classification Criteria Version 2. Collection method: clinical testing. Allele origin: germline. Affected: yes. Observed: 1 variant allele.
Comment: WDFY3: PP3, BS1

PreventionGenetics, part of Exact Sciences
Classification: Likely benign for WDFY3-related condition. Last evaluated: 2023-02-21. Review status: no assertion criteria provided. Collection method: clinical testing. Allele origin: germline. Not counted in ClinVar's aggregate classification.
Comment: This variant is classified as likely benign based on ACMG/AMP sequence variant interpretation guidelines (Richards et al. 2015 PMID: 25741868, with internal and published modifications).